The following is an entry in ClinVar:

NM_001040108.2(MLH3):c.2902A>T (p.Thr968Ser)

Gene: MLH3 (mutL homolog 3; minus strand). Cytogenetic location: 14q24.3.
Variant type: single nucleotide variant.
Coding change: c.2902A>T on transcript NM_001040108.2 (MANE Select); coding-DNA position 2902, A replaced by T.
Protein change: p.Thr968Ser; replaces threonine 968 with serine.
Molecular consequence: missense variant.
Genome position (GRCh38, 1-based): chr14:75,046,754, T>A on the plus strand (A>T on the coding strand, the complement: MLH3 is on the minus strand). VCF-style: chr14-75046754-T-A. GRCh37 (hg19) VCF-style: chr14-75513457-T-A.
Other names: c.2902A>T, p.Thr968Ser (NM_014381.3); short protein forms T968S.
Identifiers: ClinVar variation 3232503 (VCV003232503.1), dbSNP rs2503258224, ClinGen allele CA390437647.

ClinVar aggregate classification (germline): Uncertain significance (1 of 4 stars; one submission).

Submission:

Ambry Genetics
Classification: Uncertain significance. Last evaluated: 2024-01-28. Review status: criteria provided, single submitter. Criteria: Ambry Variant Classification Scheme 2023. Collection method: clinical testing. Allele origin: germline.
Comment: The p.T968S variant (also known as c.2902A>T), located in coding exon 1 of the MLH3 gene, results from an A to T substitution at nucleotide position 2902. The threonine at codon 968 is replaced by serine, an amino acid with similar properties. This amino acid position is conserved. In addition, this alteration is predicted to be tolerated by in silico analysis. Based on the available evidence, the clinical significance of this alteration remains unclear.